The following is an entry in ClinVar:

ClinVar aggregate classification (germline): Likely pathogenic (1 of 4 stars; one submission).

gnomAD v4.1: 2 of 1,613,468 alleles (0.00012%); highest among the groups gnomAD compares: Non-Finnish European, 0.00017%; no homozygotes.

Submission:

GeneDx
Classification: Likely pathogenic. Last evaluated: 2016-05-09. Review status: criteria provided, single submitter. Criteria: GeneDx Variant Classification (06012015). Collection method: clinical testing. Allele origin: germline. Affected: yes.
Comment: The R98P variant in the PNKD gene has not been reported previously as a pathogenic variant, nor as a benign variant, to our knowledge. The R98P variant was not observed in approximately 6,500 individuals of European and African American ancestry in the NHLBI Exome Sequencing Project, indicating it is not a common benign variant in these populations. The R98P variant is a non-conservative amino acid substitution, which is likely to impact secondary protein structure as these residues differ in polarity, charge, size and/or other properties. In silico analysis predicts this variant is probably damaging to the protein structure/function. However, this substitution occurs at a position that is not conserved. The R98P variant is a strong candidate for a pathogenic variant, However, the possibility it may be a rare benign variant cannot be excluded.

NM_015488.5(PNKD):c.293G>C (p.Arg98Pro)

Genes: CATIP-AS2 (CATIP antisense RNA 2; minus strand), PNKD (PNKD metallo-beta-lactamase domain containing; plus strand). Cytogenetic location: 2q35.
Variant type: single nucleotide variant.
Coding change: c.293G>C on transcript NM_015488.5 (MANE Select); coding-DNA position 293, G replaced by C.
Protein change: p.Arg98Pro; replaces arginine 98 with proline.
Molecular consequence: missense variant.
Genome position (GRCh38, 1-based): chr2:218,339,839, G>C. VCF-style: chr2-218339839-G-C. GRCh37 (hg19) VCF-style: chr2-219204562-G-C.
Other names: c.221G>C, p.Arg74Pro (NM_022572.5); short protein forms R98P, R74P.
Identifiers: ClinVar variation 432158 (VCV000432158.2), dbSNP rs201495280, ClinGen allele CA2103884.